The following is an entry in ClinVar:

NM_033004.4(NLRP1):c.1994T>C (p.Leu665Pro)

Gene: NLRP1 (NLR family pyrin domain containing 1; minus strand). Cytogenetic location: 17p13.2.
Variant type: single nucleotide variant.
Coding change: c.1994T>C on transcript NM_033004.4 (MANE Select); coding-DNA position 1994, T replaced by C.
Protein change: p.Leu665Pro; replaces leucine 665 with proline.
Molecular consequence: missense variant.
Genome position (GRCh38, 1-based): chr17:5,558,702, A>G on the plus strand (T>C on the coding strand, the complement: NLRP1 is on the minus strand). VCF-style: chr17-5558702-A-G. GRCh37 (hg19) VCF-style: chr17-5462022-A-G.
Other names: c.1994T>C, p.Leu665Pro (NM_001033053.3, NM_014922.5, NM_033006.4 and 1 more transcripts); short protein forms L665P.
Identifiers: ClinVar variation 1370653 (VCV001370653.6), dbSNP rs2151801988, ClinGen allele CA397384044.

ClinVar aggregate classification (germline): Uncertain significance (1 of 4 stars; one submission).

gnomAD v4.1: 12 of 1,614,106 alleles (0.00074%); highest among the groups gnomAD compares: Non-Finnish European, 0.001%; no homozygotes.

Submission:

Labcorp Genetics (formerly Invitae), Labcorp
Classification: Uncertain significance. Last evaluated: 2021-08-02. Review status: criteria provided, single submitter. Criteria: Invitae Variant Classification Sherloc (09022015). Collection method: clinical testing. Allele origin: germline.
Comment: In summary, the available evidence is currently insufficient to determine the role of this variant in disease. Therefore, it has been classified as a Variant of Uncertain Significance. Algorithms developed to predict the effect of missense changes on protein structure and function output the following: SIFT: "Deleterious"; PolyPhen-2: "Benign"; Align-GVGD: "Class C15". The proline amino acid residue is found in multiple mammalian species, which suggests that this missense change does not adversely affect protein function. This variant has not been reported in the literature in individuals affected with NLRP1-related conditions. This variant is not present in population databases (ExAC no frequency). This sequence change replaces leucine with proline at codon 665 of the NLRP1 protein (p.Leu665Pro). The leucine residue is highly conserved and there is a moderate physicochemical difference between leucine and proline.